The following is an entry in ClinVar:

NM_033380.3(COL4A5):c.1957G>A (p.Gly653Arg)

Gene: COL4A5 (collagen type IV alpha 5 chain; plus strand). Cytogenetic location: Xq22.3.
Variant type: single nucleotide variant.
Coding change: c.1957G>A on transcript NM_033380.3 (MANE Select); coding-DNA position 1957, G replaced by A.
Protein change: p.Gly653Arg; replaces glycine 653 with arginine.
Molecular consequence: missense variant.
Genome position (GRCh38, 1-based): chrX:108,601,401, G>A. VCF-style: chrX-108601401-G-A. GRCh37 (hg19) VCF-style: chrX-107844631-G-A.
Other names: c.1957G>A, p.Gly653Arg (NM_000495.5); c.1957G>A (NM_000495.4); short protein forms G653R.
Identifiers: ClinVar variation 4710866 (VCV004710866.2), dbSNP rs104886150.

ClinVar aggregate classification (germline): Pathogenic/Likely pathogenic. Review status: criteria provided, multiple submitters, no conflicts (2 of 4 stars). 2 submissions from 2 submitters: Pathogenic (1); Likely pathogenic (1). Last evaluated 2025-05-02.

Conditions:
X-linked Alport syndrome (ATS1). Also called: COL4A5-Related Nephropathy; NEPHROPATHY AND DEAFNESS, X-LINKED. Identifiers: Orphanet 63, Orphanet 88917, MedGen C4746986, MONDO:0010520, OMIM 301050.

Submissions (2):

Labcorp Genetics (formerly Invitae), Labcorp
Classification: Pathogenic. Last evaluated: 2025-05-02. Review status: criteria provided, single submitter. Criteria: Invitae Variant Classification Sherloc (09022015). Collection method: clinical testing. Allele origin: germline.
Comment: This sequence change replaces glycine, which is neutral and non-polar, with arginine, which is basic and polar, at codon 653 of the COL4A5 protein (p.Gly653Arg). This variant is not present in population databases (gnomAD no frequency). This missense change has been observed in individuals with Alport syndrome (PMID: 7599631; internal data). This variant is also known as c.2160G>A. Invitae Evidence Modeling of protein sequence and biophysical properties (such as structural, functional, and spatial information, amino acid conservation, physicochemical variation, residue mobility, and thermodynamic stability) indicates that this missense variant is expected to disrupt COL4A5 protein function with a positive predictive value of 95%. This variant disrupts the p.Gly653 amino acid residue in COL4A5. Other variant(s) that disrupt this residue have been determined to be pathogenic (internal data). This suggests that this residue is clinically significant, and that variants that disrupt this residue are likely to be disease-causing. For these reasons, this variant has been classified as Pathogenic.

Natera, Inc.
Classification: Likely pathogenic for X-linked Alport syndrome. Last evaluated: 2024-04-26. Review status: criteria provided, single submitter. Criteria: Natera Variant Classification Schema (03/2026). Collection method: clinical testing. Allele origin: germline.
Comment: The c.1957G>A variant in COL4A5 is a missense variant predicted to cause substitution of glycine to arginine at amino acid 653. This variant is rare in the general population with a frequency below the threshold expected for the associated phenotype(s). This variant has been observed in affected individual(s) with monoallelic occurrence (heterozygous/hemizygous) (PMID: 10094548, 30968591, 7599631). This variant is located in a functionally critical region of the protein. A different variant at the same position has been determined to be Pathogenic or Likely Pathogenic. Computational prediction algorithms indicate this variant is likely to affect gene or protein function. Given the available evidence, this variant is classified as Likely Pathogenic.

Literature cited by the submitters: PubMed 7599631 (cited by Labcorp Genetics (formerly Invitae), Labcorp and Natera, Inc.); PubMed 10094548 (cited by Natera, Inc.); PubMed 30968591 (cited by Natera, Inc.).